The following is an entry in ClinVar:

NM_003041.4(SLC5A2):c.163T>C (p.Tyr55His)

Gene: SLC5A2 (solute carrier family 5 member 2; plus strand). Cytogenetic location: 16p11.2.
Variant type: single nucleotide variant.
Coding change: c.163T>C on transcript NM_003041.4 (MANE Select); coding-DNA position 163, T replaced by C.
Protein change: p.Tyr55His; replaces tyrosine 55 with histidine.
Molecular consequence: missense variant. On other transcripts: non-coding transcript variant (1).
Genome position (GRCh38, 1-based): chr16:31,484,709, T>C. VCF-style: chr16-31484709-T-C. GRCh37 (hg19) VCF-style: chr16-31496030-T-C.
Other names: short protein forms Y55H.
Identifiers: ClinVar variation 2633293 (VCV002633293.1), dbSNP rs2544880877, ClinGen allele CA395751438.
Genomic context (GRCh38, chr16:31,484,709, plus strand): 5'-GTCTCCCCCGCCTCTGTCTCCCAGTCCATGTGCAGAACCAACAGAGGCACTGTGGGCGGC[T>C]ACTTCCTGGCAGGACGCAGCATGGTGTGGTGGCCGGTGAGACGGGCTGGGCCGGGAACGG-3'
Protein context (NP_003032.1, residues 45-65): CRTNRGTVGG[Tyr55His]FLAGRSMVWW

ClinVar aggregate classification (germline): Uncertain significance (1 of 4 stars; one submission).

Conditions:
SLC5A2-related disorder. Also called: SLC5A2-related condition.

Submission:

PreventionGenetics, part of Exact Sciences
Classification: Uncertain significance for SLC5A2-related condition. Last evaluated: 2023-05-01. Review status: criteria provided, single submitter. Criteria: ACMG Guidelines, 2015. Collection method: clinical testing. Allele origin: germline.
Comment: The SLC5A2 c.163T>C variant is predicted to result in the amino acid substitution p.Tyr55His. To our knowledge, this variant has not been reported in the literature or in a large population database, indicating this variant is rare. At this time, the clinical significance of this variant is uncertain due to the absence of conclusive functional and genetic evidence.